The following is an entry in ClinVar:

NM_001145073.3(USP27X):c.208A>G (p.Thr70Ala)

Gene: USP27X (ubiquitin specific peptidase 27 X-linked; plus strand). Cytogenetic location: Xp11.23.
Variant type: single nucleotide variant.
Coding change: c.208A>G on transcript NM_001145073.3 (MANE Select); coding-DNA position 208, A replaced by G.
Protein change: p.Thr70Ala; replaces threonine 70 with alanine.
Molecular consequence: missense variant.
Genome position (GRCh38, 1-based): chrX:49,880,515, A>G. VCF-style: chrX-49880515-A-G. GRCh37 (hg19) VCF-style: chrX-49645118-A-G.
Other names: short protein forms T70A.
Identifiers: ClinVar variation 3239423 (VCV003239423.19), dbSNP rs782027058.

ClinVar aggregate classification (germline): Likely benign (1 of 4 stars; one submission).

Allele frequency attached by ClinVar (database versions not stated): gnomAD exomes 0.00001; ExAC 0.00006.

Submission:

CeGaT Center for Human Genetics Tuebingen
Classification: Likely benign. Last evaluated: 2024-05-01. Review status: criteria provided, single submitter. Criteria: CeGaT Center For Human Genetics Tuebingen Variant Classification Criteria Version 2. Collection method: clinical testing. Allele origin: germline. Affected: yes. Observed: 1 variant allele.
Comment: USP27X: PP2, BS2